The following is an entry in ClinVar:

ClinVar aggregate classification (germline): Uncertain significance. Review status: criteria provided, multiple submitters, no conflicts (2 of 4 stars). 2 submissions from 2 submitters: Uncertain significance (2). Last evaluated 2021-04-08.

Conditions:
Epilepsy, familial focal, with variable foci 2 (FFEVF2). Identifiers: MedGen C4310709, MONDO:0014924, OMIM 617116.

Allele frequency attached by ClinVar (database versions not stated): TOPMed below 0.00001; gnomAD 0.00001; gnomAD exomes 0.00001 and 0.00003; ExAC 0.00002.
gnomAD v4.1: 22 of 1,613,850 alleles (0.0014%); highest among the groups gnomAD compares: East Asian, 0.0067%; no homozygotes.

Submissions (2):

Foundation for Research in Genetics and Endocrinology, FRIGE's Institute of Human Genetics
Classification: Uncertain significance for Epilepsy, familial focal, with variable foci 2. Last evaluated: 2021-04-08. Review status: criteria provided, single submitter. Criteria: ACMG Guidelines, 2015. Collection method: clinical testing. Allele origin: germline. Inheritance: Autosomal dominant inheritance. Affected: yes. Observed: 1 heterozygote.
Comment: A heterozygous missense variation in exon 6 of the NPRL2 gene that results in the amino acid substitution of Cysteine for Arginine at codon 221 was detected. The observed variant c.661C>T (p.Arg221Cys) has a minor allele frequency of 0.0007% and 0.014% in the 1000 genomes and gnomAD databases, respectively. The in silico prediction of the variant are probably damaging by PolyPhen-2 (HumDiv), damaging by SIFT, LRT and MutationTaster2. The reference codon is conserved across species. In summary, the variant meets our criteria to be classified as a variant of uncertain significance.

Revvity Omics, Revvity
Classification: Uncertain significance for Epilepsy, familial focal, with variable foci 2. Last evaluated: 2021-01-28. Review status: criteria provided, single submitter. Criteria: ACMG Guidelines, 2015. Collection method: clinical testing. Allele origin: germline.

NM_006545.5(NPRL2):c.661C>T (p.Arg221Cys)

Gene: NPRL2 (NPR2 like, GATOR1 complex subunit; minus strand). Cytogenetic location: 3p21.31.
Variant type: single nucleotide variant.
Coding change: c.661C>T on transcript NM_006545.5 (MANE Select); coding-DNA position 661, C replaced by T.
Protein change: p.Arg221Cys; replaces arginine 221 with cysteine.
Molecular consequence: missense variant.
Genome position (GRCh38, 1-based): chr3:50,348,707, G>A on the plus strand (C>T on the coding strand, the complement: NPRL2 is on the minus strand). VCF-style: chr3-50348707-G-A. GRCh37 (hg19) VCF-style: chr3-50386138-G-A.
Other names: p.Arg221Cys; short protein forms R221C.
Identifiers: ClinVar variation 1251968 (VCV001251968.6), dbSNP rs751736902, ClinGen allele CA2417540.